The following is an entry in ClinVar:

ClinVar aggregate classification (germline): Uncertain significance. Review status: criteria provided, multiple submitters, no conflicts (2 of 4 stars). 3 submissions from 3 submitters: Uncertain significance (3). Last evaluated 2023-06-13.

Conditions:
Opsismodysplasia (OPSMD). Also called: INPPL1-Related Opsismodysplasia. Identifiers: Orphanet 2746, MedGen C0432219, MONDO:0009785, OMIM 258480.

Allele frequency attached by ClinVar (database versions not stated): gnomAD exomes 0.00001 and 0.00002; TOPMed 0.00001; gnomAD 0.00001.
gnomAD v4.1: 17 of 1,611,840 alleles (0.0011%); highest among the groups gnomAD compares: Admixed American, 0.022%; no homozygotes.

Submissions (3):

ARUP Laboratories, Molecular Genetics and Genomics, ARUP Laboratories
Classification: Uncertain significance for Opsismodysplasia. Last evaluated: 2023-06-13. Review status: criteria provided, single submitter. Criteria: ARUP Molecular Germline Variant Investigation Process 2024. Collection method: clinical testing. Allele origin: germline.
Comment: The INPPL1 c.349G>A; p.Val117Ile variant (rs1354137878) is reported in the literature in a family with cleft lip and palate (Pengelly 2016). This variant is found in the Latino population with an allele frequency of 0.01% (4/34558 alleles) in the Genome Aggregation Database. Computational analyses are uncertain whether this variant is neutral or deleterious (REVEL: 0.695). Due to limited information, the clinical significance of this variant is uncertain at this time. References: Pengelly RJ et al. Deleterious coding variants in multi-case families with non-syndromic cleft lip and/or palate phenotypes. Sci Rep. 2016 Jul 26;6:30457. PMID: 27456059.

Labcorp Genetics (formerly Invitae), Labcorp
Classification: Uncertain significance. Last evaluated: 2022-07-13. Review status: criteria provided, single submitter. Criteria: Invitae Variant Classification Sherloc (09022015). Collection method: clinical testing. Allele origin: germline.
Comment: This sequence change replaces valine, which is neutral and non-polar, with isoleucine, which is neutral and non-polar, at codon 117 of the INPPL1 protein (p.Val117Ile). This variant is present in population databases (no rsID available, gnomAD 0.009%). This missense change has been observed in individual(s) with non-syndromic cleft lip and/or palate (PMID: 27456059). ClinVar contains an entry for this variant (Variation ID: 1052280). Algorithms developed to predict the effect of missense changes on protein structure and function are either unavailable or do not agree on the potential impact of this missense change (SIFT: "Tolerated"; PolyPhen-2: "Possibly Damaging"; Align-GVGD: "Class C0"). In summary, the available evidence is currently insufficient to determine the role of this variant in disease. Therefore, it has been classified as a Variant of Uncertain Significance.

Blueprint Genetics
Classification: Uncertain significance. Last evaluated: 2021-10-05. Review status: criteria provided, single submitter. Criteria: ACMG Guidelines, 2015. Collection method: clinical testing. Allele origin: germline.

Literature cited by the submitters: PubMed 27456059 (cited by Labcorp Genetics (formerly Invitae), Labcorp).

NM_001567.4(INPPL1):c.349G>A (p.Val117Ile)

Gene: INPPL1 (inositol polyphosphate phosphatase like 1; plus strand). Cytogenetic location: 11q13.4.
Variant type: single nucleotide variant.
Coding change: c.349G>A on transcript NM_001567.4 (MANE Select); coding-DNA position 349, G replaced by A.
Protein change: p.Val117Ile; replaces valine 117 with isoleucine.
Molecular consequence: missense variant.
Genome position (GRCh38, 1-based): chr11:72,228,450, G>A. VCF-style: chr11-72228450-G-A. GRCh37 (hg19) VCF-style: chr11-71939494-G-A.
Other names: short protein forms V117I.
Identifiers: ClinVar variation 1052280 (VCV001052280.8), dbSNP rs1354137878, ClinGen allele CA381718118.